The following is an entry in ClinVar:

ClinVar aggregate classification (germline): Uncertain significance (1 of 4 stars; one submission).

gnomAD v4.1: 2 of 1,613,932 alleles (0.00012%); highest among the groups gnomAD compares: Non-Finnish European, 0.00017%; no homozygotes.

Submission:

Labcorp Genetics (formerly Invitae), Labcorp
Classification: Uncertain significance. Last evaluated: 2025-12-26. Review status: criteria provided, single submitter. Criteria: Invitae Variant Classification Sherloc (09022015). Collection method: clinical testing. Allele origin: germline.
Comment: This sequence change replaces serine, which is neutral and polar, with alanine, which is neutral and non-polar, at codon 308 of the TBX20 protein (p.Ser308Ala). This variant is present in population databases (no rsID available, gnomAD 0.0009%). This variant has not been reported in the literature in individuals affected with TBX20-related conditions. Invitae Evidence Modeling of protein sequence and biophysical properties (such as structural, functional, and spatial information, amino acid conservation, physicochemical variation, residue mobility, and thermodynamic stability) indicates that this missense variant is not expected to disrupt TBX20 protein function with a negative predictive value of 80%. In summary, the available evidence is currently insufficient to determine the role of this variant in disease. Therefore, it has been classified as a Variant of Uncertain Significance.

NM_001077653.2(TBX20):c.922T>G (p.Ser308Ala)

Gene: TBX20 (T-box transcription factor 20; minus strand). Cytogenetic location: 7p14.2.
Variant type: single nucleotide variant.
Coding change: c.922T>G on transcript NM_001077653.2 (MANE Select); coding-DNA position 922, T replaced by G.
Protein change: p.Ser308Ala; replaces serine 308 with alanine.
Molecular consequence: missense variant.
Genome position (GRCh38, 1-based): chr7:35,204,551, A>C on the plus strand (T>G on the coding strand, the complement: TBX20 is on the minus strand). VCF-style: chr7-35204551-A-C. GRCh37 (hg19) VCF-style: chr7-35244163-A-C.
Other names: short protein forms S308A.
Identifiers: ClinVar variation 4807498 (VCV004807498.1).